The following is an entry in ClinVar:

NM_001130965.3(SUN1):c.1582G>C (p.Gly528Arg)

Gene: SUN1 (Sad1 and UNC84 domain containing 1; plus strand). Cytogenetic location: 7p22.3.
Variant type: single nucleotide variant.
Coding change: c.1582G>C on transcript NM_001130965.3 (MANE Select); coding-DNA position 1582, G replaced by C.
Protein change: p.Gly528Arg; replaces glycine 528 with arginine.
Molecular consequence: missense variant. On other transcripts: non-coding transcript variant (3).
Genome position (GRCh38, 1-based): chr7:860,185, G>C. VCF-style: chr7-860185-G-C. GRCh37 (hg19) VCF-style: chr7-899822-G-C.
Other names: c.1273G>C, p.Gly425Arg (NM_001171944.2); c.1582G>C, p.Gly528Arg (NM_001367633.1, NM_001367634.1, NM_001367653.1); c.1231G>C, p.Gly411Arg (NM_001367635.1); c.1822G>C, p.Gly608Arg (NM_001367636.1, NM_001367691.1); c.1690G>C, p.Gly564Arg (NM_001367638.1); c.1123G>C, p.Gly375Arg (NM_001367639.1); c.1762G>C, p.Gly588Arg (NM_001367640.1); c.1864G>C, p.Gly622Arg (NM_001367641.1, NM_001367682.1); and 43 more; short protein forms G425R, G472R, G528R, G532R, G537R, G544R, G572R, G578R.
Identifiers: ClinVar variation 662359 (VCV000662359.10), dbSNP rs549897796, ClinGen allele CA4112304.
Genomic context (GRCh38, chr7:860,185, plus strand): 5'-TAGGTGGACGTGCAAGTCAGAGAAATGGTGAAACTCCTGTTTTCCGAAGATCAGCAAGGC[G>C]GTTCTCTGGAACAGCTGCTGCAGAGGTTCTCATCACAGTTTGTGAGCAAAGGCGACTTGC-3'
Protein context (NP_001124437.1, residues 518-538): KLLFSEDQQG[Gly528Arg]SLEQLLQRFS

ClinVar aggregate classification (germline): Uncertain significance. Review status: criteria provided, multiple submitters, no conflicts (2 of 4 stars). 2 submissions from 2 submitters: Uncertain significance (2). Last evaluated 2024-07-09.

Conditions:
Emery-Dreifuss muscular dystrophy (EDMD). Also called: Scapuloperoneal syndrome, X-linked (formerly); Humeroperoneal neuromuscular disease, (formerly). Identifiers: Orphanet 261, MedGen C0410189, MONDO:0016830.

Allele frequency attached by ClinVar (database versions not stated): 1000 Genomes Project 30x 0.00016; 1000 Genomes Project 0.00020.
gnomAD v4.1: 1 of 1,614,182 alleles (0.000062%); highest among the groups gnomAD compares: African/African-American, 0.0013%; no homozygotes.

Submissions (2):

Ambry Genetics
Classification: Uncertain significance. Last evaluated: 2024-07-09. Review status: criteria provided, single submitter. Criteria: Ambry Variant Classification Scheme 2023. Collection method: clinical testing. Allele origin: germline.

Labcorp Genetics (formerly Invitae), Labcorp
Classification: Uncertain significance for Emery-Dreifuss muscular dystrophy. Last evaluated: 2018-12-22. Review status: criteria provided, single submitter. Criteria: Invitae Variant Classification Sherloc (09022015). Collection method: clinical testing. Allele origin: germline.
Comment: This sequence change replaces glycine with arginine at codon 528 of the SUN1 protein (p.Gly528Arg). The glycine residue is moderately conserved and there is a moderate physicochemical difference between glycine and arginine. In summary, the available evidence is currently insufficient to determine the role of this variant in disease. Therefore, it has been classified as a Variant of Uncertain Significance. Algorithms developed to predict the effect of missense changes on protein structure and function output the following: SIFT: "Tolerated"; PolyPhen-2: "Possibly Damaging"; Align-GVGD: "Class C0". The arginine amino acid residue is found in multiple mammalian species, suggesting that this missense change does not adversely affect protein function. These predictions have not been confirmed by published functional studies and their clinical significance is uncertain. This variant has not been reported in the literature in individuals with SUN1-related conditions. This variant is present in population databases (rs549897796, ExAC 0.01%).